The following is an entry in ClinVar:

ClinVar aggregate classification (germline): Uncertain significance. Review status: criteria provided, multiple submitters, no conflicts (2 of 4 stars). 2 submissions from 2 submitters: Uncertain significance (2). Last evaluated 2023-12-11.

Conditions:
Wilson disease (WND). Also called: Wilson's disease. Identifiers: Orphanet 905, MedGen C0019202, MONDO:0010200, OMIM 277900. Disease mechanism: loss of function.

Allele frequency attached by ClinVar (database versions not stated): gnomAD exomes below 0.00001.
gnomAD v4.1: 2 of 1,614,168 alleles (0.00012%); highest among the groups gnomAD compares: Admixed American, 0.0017%; no homozygotes.

Submissions (2):

Labcorp Genetics (formerly Invitae), Labcorp
Classification: Uncertain significance for Wilson disease. Last evaluated: 2023-12-11. Review status: criteria provided, single submitter. Criteria: Invitae Variant Classification Sherloc (09022015). Collection method: clinical testing. Allele origin: germline.
Comment: This sequence change replaces methionine, which is neutral and non-polar, with threonine, which is neutral and polar, at codon 556 of the ATP7B protein (p.Met556Thr). This variant is present in population databases (no rsID available, gnomAD 0.003%). This variant has not been reported in the literature in individuals affected with ATP7B-related conditions. ClinVar contains an entry for this variant (Variation ID: 2165721). Advanced modeling of protein sequence and biophysical properties (such as structural, functional, and spatial information, amino acid conservation, physicochemical variation, residue mobility, and thermodynamic stability) performed at Invitae indicates that this missense variant is not expected to disrupt ATP7B protein function with a negative predictive value of 80%. In summary, the available evidence is currently insufficient to determine the role of this variant in disease. Therefore, it has been classified as a Variant of Uncertain Significance.

All of Us Research Program, National Institutes of Health
Classification: Uncertain significance for Wilson disease. Last evaluated: 2023-08-28. Review status: criteria provided, single submitter. Criteria: ACMG Guidelines, 2015. Collection method: clinical testing. Allele origin: germline. Inheritance: Autosomal recessive inheritance. Observed: 2 variant alleles, 2 heterozygotes.
Comment: This missense variant replaces methionine with threonine at codon 556 of the ATP7B protein. Computational prediction is inconclusive regarding the impact of this variant on protein structure and function (internally defined REVEL score threshold 0.5 < inconclusive < 0.7, PMID: 27666373). To our knowledge, functional studies have not been reported for this variant. This variant has not been reported in individuals affected with ATP7B-related disorders in the literature. This variant has been identified in 1/249536 chromosomes in the general population by the Genome Aggregation Database (gnomAD). The available evidence is insufficient to determine the role of this variant in disease conclusively. Therefore, this variant is classified as a Variant of Uncertain Significance.

This study involves interpretation of variants in research participants for the purpose of population health screening. Participant phenotype was not available at the time of variant classification. Additional details can be found in publication PMID: 35346344, PMCID: PMC8962531

NM_000053.4(ATP7B):c.1667T>C (p.Met556Thr)

Gene: ATP7B (ATPase copper transporting beta; minus strand). Cytogenetic location: 13q14.3.
Variant type: single nucleotide variant.
Coding change: c.1667T>C on transcript NM_000053.4 (MANE Select); coding-DNA position 1667, T replaced by C.
Protein change: p.Met556Thr; replaces methionine 556 with threonine.
Molecular consequence: missense variant.
Genome position (GRCh38, 1-based): chr13:51,968,484, A>G on the plus strand (T>C on the coding strand, the complement: ATP7B is on the minus strand). VCF-style: chr13-51968484-A-G. GRCh37 (hg19) VCF-style: chr13-52542620-A-G.
Other names: c.1667T>C, p.Met556Thr (NM_001005918.3, NM_001330578.2, NM_001330579.2 and 26 more transcripts); c.1334T>C, p.Met445Thr (NM_001243182.2); c.1634T>C, p.Met545Thr (NM_001406524.1, NM_001406514.1); c.1571T>C, p.Met524Thr (NM_001406517.1, NM_001406518.1, NM_001406530.1 and 3 more transcripts); c.1238T>C, p.Met413Thr (NM_001406539.1); short protein forms M445T, M524T, M545T, M556T, M413T.
Identifiers: ClinVar variation 2165721 (VCV002165721.5), dbSNP rs1204797046, ClinGen allele CA388032786.